The following is an entry in ClinVar:

NM_001378454.1(ALMS1):c.9096A>G (p.Ala3032=)

Gene: ALMS1 (ALMS1 centrosome and basal body associated protein; plus strand). Cytogenetic location: 2p13.1.
Variant type: single nucleotide variant.
Coding change: c.9096A>G on transcript NM_001378454.1 (MANE Select); coding-DNA position 9096, A replaced by G.
Protein change: p.Ala3032=; no amino-acid change (alanine 3032 retained).
Molecular consequence: synonymous variant.
Genome position (GRCh38, 1-based): chr2:73,491,055, A>G. VCF-style: chr2-73491055-A-G. GRCh37 (hg19) VCF-style: chr2-73718182-A-G.
Other names: c.9099A>G, p.Ala3033= (NM_015120.4).
Identifiers: ClinVar variation 4978745 (VCV004978745.1).

ClinVar aggregate classification (germline): Likely benign (1 of 4 stars; one submission).

Conditions:
ALMS1-related disorder. Also called: ALMS1-related condition.

Submission:

PreventionGenetics, part of Exact Sciences
Classification: Likely benign for ALMS1-related condition. Last evaluated: 2025-09-08. Review status: criteria provided, single submitter. Criteria: ACMG Guidelines, 2015. Collection method: clinical testing. Allele origin: germline.
Comment: This variant is classified as likely benign based on ACMG/AMP sequence variant interpretation guidelines (Richards et al. 2015 PMID: 25741868, with internal and published modifications).